The following is an entry in ClinVar:

NM_020751.3(COG6):c.1284+19A>T

Gene: COG6 (component of oligomeric golgi complex 6; plus strand). Cytogenetic location: 13q14.11.
Variant type: single nucleotide variant.
Coding change: c.1284+19A>T on transcript NM_020751.3 (MANE Select); 19 bases into the intron after coding-DNA position 1284, A replaced by T.
Molecular consequence: intron variant.
Genome position (GRCh38, 1-based): chr13:39,699,637, A>T. VCF-style: chr13-39699637-A-T. GRCh37 (hg19) VCF-style: chr13-40273774-A-T.
Other names: c.1284+19A>T (NM_001145079.2).
Identifiers: ClinVar variation 391427 (VCV000391427.1), dbSNP rs1057524078, ClinGen allele CA16606719.

ClinVar aggregate classification (germline): Likely benign (1 of 4 stars; one submission).

Allele frequency attached by ClinVar (database versions not stated): TOPMed 0.00001 and below 0.00001.

Submission:

GeneDx
Classification: Likely benign. Last evaluated: 2016-12-13. Review status: criteria provided, single submitter. Criteria: GeneDx Variant Classification (06012015). Collection method: clinical testing. Allele origin: germline. Affected: yes.
Comment: This variant is considered likely benign or benign based on one or more of the following criteria: it is a conservative change, it occurs at a poorly conserved position in the protein, it is predicted to be benign by multiple in silico algorithms, and/or has population frequency not consistent with disease.